The following is an entry in ClinVar:

ClinVar aggregate classification (germline): Benign/Likely benign. Review status: criteria provided, multiple submitters, no conflicts (2 of 4 stars). 3 submissions from 3 submitters: Benign (1); Likely benign (2). Last evaluated 2025-12-02.

Conditions:
TSPAN12-related disorder. Also called: TSPAN12-related condition.

Allele frequency attached by ClinVar (database versions not stated): gnomAD exomes 0.00005 and 0.00013; ExAC 0.00016; 1000 Genomes Project 0.00040; ESP Exome Variant Server 0.00046; 1000 Genomes Project 30x 0.00047; gnomAD 0.00063 and 0.00067; TOPMed 0.00068.
gnomAD v4.1: 176 of 1,612,614 alleles (0.011%); highest among the groups gnomAD compares: African/African-American, 0.21%; no homozygotes.

Submissions (3):

Labcorp Genetics (formerly Invitae), Labcorp
Classification: Benign. Last evaluated: 2025-12-02. Review status: criteria provided, single submitter. Criteria: Invitae Variant Classification Sherloc (09022015). Collection method: clinical testing. Allele origin: germline.

PreventionGenetics, part of Exact Sciences
Classification: Likely benign for TSPAN12-related condition. Last evaluated: 2025-04-18. Review status: criteria provided, single submitter. Criteria: ACMG Guidelines, 2015. Collection method: clinical testing. Allele origin: germline.
Comment: This variant is classified as likely benign based on ACMG/AMP sequence variant interpretation guidelines (Richards et al. 2015 PMID: 25741868, with internal and published modifications).

Blueprint Genetics
Classification: Likely benign. Last evaluated: 2024-11-13. Review status: criteria provided, single submitter. Criteria: ACMG Guidelines, 2015. Collection method: clinical testing. Allele origin: germline.

NM_012338.4(TSPAN12):c.351G>A (p.Gln117=)

Gene: TSPAN12 (tetraspanin 12; minus strand). Cytogenetic location: 7q31.31.
Variant type: single nucleotide variant.
Coding change: c.351G>A on transcript NM_012338.4 (MANE Select); coding-DNA position 351, G replaced by A.
Protein change: p.Gln117=; no amino-acid change (glutamine 117 retained).
Molecular consequence: synonymous variant.
Genome position (GRCh38, 1-based): chr7:120,815,738, C>T on the plus strand (G>A on the coding strand, the complement: TSPAN12 is on the minus strand). VCF-style: chr7-120815738-C-T. GRCh37 (hg19) VCF-style: chr7-120455792-C-T.
Other names: c.351G>A (NM_012338.3).
Identifiers: ClinVar variation 1164618 (VCV001164618.11), dbSNP rs139536082, ClinGen allele CA4453940.
Genomic context (GRCh38, chr7:120,815,738, plus strand): 5'-AAAAGGCTGAACTGTTGTTTTAGATTGTGATTATATCTATTTTGAACTCACCATAAGTTC[C>T]TGTTCATATGTCCAAACGCCACAAGCCAGTTCTACACAGAAAATGACAAGCAAACTTCCA-3'
Protein context (NP_036470.1, residues 107-127): ELACGVWTYE[Gln117=]ELMVPVQWSD